The following is an entry in ClinVar:

ClinVar aggregate classification (germline): Uncertain significance. Review status: criteria provided, multiple submitters, no conflicts (2 of 4 stars). 2 submissions from 2 submitters: Uncertain significance (2). Last evaluated 2025-12-23.

Submissions (2):

Women's Health and Genetics/Laboratory Corporation of America, LabCorp
Classification: Uncertain significance. Last evaluated: 2025-12-23. Review status: criteria provided, single submitter. Criteria: LabCorp Variant Classification Summary - May 2015. Collection method: clinical testing. Allele origin: germline.
Comment: Variant summary: DSE c.2559_2564delTGAAGA (p.Asp853_Glu854del) results in an in-frame deletion that is predicted to remove two amino acids from the encoded protein. The variant allele was found at a frequency of 1.6e-05 in 250888 control chromosomes (gnomAD). The available data on variant occurrences in the general population are insufficient to allow any conclusion about variant significance. To our knowledge, no occurrence of c.2559_2564delTGAAGA in individuals affected with DSE-related conditions and no experimental evidence demonstrating its impact on protein function have been reported. No submitters have cited clinical-significance assessments for this variant to ClinVar. Based on the evidence outlined above, the variant was classified as uncertain significance.

Mayo Clinic Laboratories, Mayo Clinic
Classification: Uncertain significance. Last evaluated: 2025-09-19. Review status: criteria provided, single submitter. Criteria: ACMG Guidelines, 2015. Collection method: clinical testing. Allele origin: germline. Observed: 1 variant allele.
Comment: PM2_supporting, PM4

NM_013352.4(DSE):c.2553TGAAGA[1] (p.851DE[1])

Gene: DSE (dermatan sulfate epimerase; plus strand). Cytogenetic location: 6q22.1.
Variant type: Microsatellite.
Coding change: c.2553TGAAGA[1] on transcript NM_013352.4 (MANE Select); one copy of the 6-base unit TGAAGA starting at c.2553; the reference has two copies in a row; one copy, 6 bases deleted; also written c.2559_2564del.
Protein change: p.851DE[1].
Molecular consequence: inframe deletion. On other transcripts: 3 prime UTR variant (2), non-coding transcript variant (1).
Genome position (GRCh38, 1-based): chr6:116,437,027-116,437,032, TGAAGA deleted; deleting any 6 consecutive bases within chr6:116,437,018-116,437,032 gives the same sequence; the position shown is the placement nearest the transcript's 3' end. VCF-style (leftmost placement, unchanged base first): chr6-116437017-TAGATGA-T. GRCh37 (hg19) VCF-style: chr6-116758180-TAGATGA-T.
Other names: p.Asp853_Glu854del; c.2559_2564delTGAAGA (NM_013352.4); c.2553TGAAGA[1], p.851DE[1] (NM_001080976.3, NM_001322937.2, NM_001322938.2); c.2610TGAAGA[1], p.870DE[1] (NM_001322939.2); c.1992TGAAGA[1], p.664DE[1] (NM_001322940.2, NM_001322941.2); c.*1418TGAAGA[1] (NM_001322943.2, NM_001322944.2); c.1554TGAAGA[1], p.518DE[1] (NM_001374520.1); c.1518TGAAGA[1], p.506DE[1] (NM_001374521.1); and 1 more.
Identifiers: ClinVar variation 4541205 (VCV004541205.2).